The following is an entry in ClinVar:

NM_005559.4(LAMA1):c.9092G>A (p.Arg3031His)

Gene: LAMA1 (laminin subunit alpha 1; minus strand). Cytogenetic location: 18p11.31.
Variant type: single nucleotide variant.
Coding change: c.9092G>A on transcript NM_005559.4 (MANE Select); coding-DNA position 9092, G replaced by A.
Protein change: p.Arg3031His; replaces arginine 3031 with histidine.
Molecular consequence: missense variant.
Genome position (GRCh38, 1-based): chr18:6,942,215, C>T on the plus strand (G>A on the coding strand, the complement: LAMA1 is on the minus strand). VCF-style: chr18-6942215-C-T. GRCh37 (hg19) VCF-style: chr18-6942214-C-T.
Other names: short protein forms R3031H.
Identifiers: ClinVar variation 1312237 (VCV001312237.4), dbSNP rs561707401, ClinGen allele CA8880246.

ClinVar aggregate classification (germline): Uncertain significance. Review status: criteria provided, multiple submitters, no conflicts (2 of 4 stars). 3 submissions from 3 submitters: Uncertain significance (3). Last evaluated 2025-06-17.

Conditions:
Inborn genetic diseases. Identifiers: MedGen C0950123, MeSH D030342.

Allele frequency attached by ClinVar (database versions not stated): ExAC 0.00002; gnomAD 0.00003; TOPMed 0.00005; 1000 Genomes Project 30x 0.00016; 1000 Genomes Project 0.00020.
gnomAD v4.1: 17 of 1,614,046 alleles (0.0011%); highest among the groups gnomAD compares: East Asian, 0.0067%; no homozygotes.

Submissions (3):

Ambry Genetics
Classification: Uncertain significance for Inborn genetic diseases. Last evaluated: 2025-06-17. Review status: criteria provided, single submitter. Criteria: Ambry Variant Classification Scheme 2023. Collection method: clinical testing. Allele origin: germline.

Labcorp Genetics (formerly Invitae), Labcorp
Classification: Uncertain significance. Last evaluated: 2022-06-05. Review status: criteria provided, single submitter. Criteria: Invitae Variant Classification Sherloc (09022015). Collection method: clinical testing. Allele origin: germline.
Comment: This sequence change replaces arginine, which is basic and polar, with histidine, which is basic and polar, at codon 3031 of the LAMA1 protein (p.Arg3031His). This variant is present in population databases (rs561707401, gnomAD 0.01%). This variant has not been reported in the literature in individuals affected with LAMA1-related conditions. ClinVar contains an entry for this variant (Variation ID: 1312237). Algorithms developed to predict the effect of missense changes on protein structure and function (SIFT, PolyPhen-2, Align-GVGD) all suggest that this variant is likely to be tolerated. In summary, the available evidence is currently insufficient to determine the role of this variant in disease. Therefore, it has been classified as a Variant of Uncertain Significance.

GeneDx
Classification: Uncertain significance. Last evaluated: 2020-02-15. Review status: criteria provided, single submitter. Criteria: GeneDx Variant Classification Process June 2021. Collection method: clinical testing. Allele origin: germline. Affected: yes.
Comment: In silico analysis supports that this missense variant does not alter protein structure/function; Has not been previously published as pathogenic or benign to our knowledge